The following is an entry in ClinVar:

NM_000785.4(CYP27B1):c.482T>C (p.Val161Ala)

Gene: CYP27B1 (cytochrome P450 family 27 subfamily B member 1; minus strand). Cytogenetic location: 12q14.1.
Variant type: single nucleotide variant.
Coding change: c.482T>C on transcript NM_000785.4 (MANE Select); coding-DNA position 482, T replaced by C.
Protein change: p.Val161Ala; replaces valine 161 with alanine.
Molecular consequence: missense variant.
Genome position (GRCh38, 1-based): chr12:57,765,404, A>G on the plus strand (T>C on the coding strand, the complement: CYP27B1 is on the minus strand). VCF-style: chr12-57765404-A-G. GRCh37 (hg19) VCF-style: chr12-58159187-A-G.
Other names: short protein forms V161A.
Identifiers: ClinVar variation 3668031 (VCV003668031.2).

ClinVar aggregate classification (germline): Uncertain significance (1 of 4 stars; one submission).

gnomAD v4.1: 5 of 1,613,270 alleles (0.00031%); highest among the groups gnomAD compares: Non-Finnish European, 0.00042%; no homozygotes.

Submission:

Labcorp Genetics (formerly Invitae), Labcorp
Classification: Uncertain significance. Last evaluated: 2024-09-03. Review status: criteria provided, single submitter. Criteria: Invitae Variant Classification Sherloc (09022015). Collection method: clinical testing. Allele origin: germline.
Comment: This sequence change replaces valine, which is neutral and non-polar, with alanine, which is neutral and non-polar, at codon 161 of the CYP27B1 protein (p.Val161Ala). This variant is not present in population databases (gnomAD no frequency). This variant has not been reported in the literature in individuals affected with CYP27B1-related conditions. Invitae Evidence Modeling of protein sequence and biophysical properties (such as structural, functional, and spatial information, amino acid conservation, physicochemical variation, residue mobility, and thermodynamic stability) indicates that this missense variant is not expected to disrupt CYP27B1 protein function with a negative predictive value of 80%. In summary, the available evidence is currently insufficient to determine the role of this variant in disease. Therefore, it has been classified as a Variant of Uncertain Significance.